The following is an entry in ClinVar:

NM_000551.4(VHL):c.301C>T (p.Leu101=)

Gene: VHL (von Hippel-Lindau tumor suppressor; plus strand). Cytogenetic location: 3p25.3.
Variant type: single nucleotide variant.
Coding change: c.301C>T on transcript NM_000551.4 (MANE Select); coding-DNA position 301, C replaced by T.
Protein change: p.Leu101=; no amino-acid change (leucine 101 retained).
Molecular consequence: synonymous variant.
Genome position (GRCh38, 1-based): chr3:10,142,148, C>T. VCF-style: chr3-10142148-C-T. GRCh37 (hg19) VCF-style: chr3-10183832-C-T.
Other names: c.301C>T, p.Leu101= (NM_001354723.2, NM_198156.3).
Identifiers: ClinVar variation 380651 (VCV000380651.13), dbSNP rs772300829, ClinGen allele CA040223.

ClinVar aggregate classification (germline): Benign/Likely benign. Review status: criteria provided, multiple submitters, no conflicts (2 of 4 stars). 4 submissions from 4 submitters: Benign (1); Likely benign (3). Last evaluated 2025-06-10.

Conditions:
Von Hippel-Lindau syndrome (VHLS). Also called: Von Hippel-Lindau; VHL syndrome; von Hippel–Lindau syndrome. Identifiers: Orphanet 892, MedGen C0019562, MONDO:0008667, OMIM 193300. Disease mechanism: loss of function.
Chuvash polycythemia. Also called: POLYCYTHEMIA, VHL-DEPENDENT. Identifiers: Orphanet 238557, MedGen C1837915, MONDO:0009892, OMIM 263400.
Hereditary cancer-predisposing syndrome. Also called: Hereditary neoplastic syndrome; Tumor predisposition; Neoplastic Syndromes, Hereditary; Hereditary Cancer Syndrome. Identifiers: Orphanet 140162, MedGen C0027672, MeSH D009386, MONDO:0015356.

Allele frequency attached by ClinVar (database versions not stated): gnomAD exomes below 0.00001; ExAC 0.00001; gnomAD 0.00001 and 0.00002; TOPMed 0.00001.

Submissions (4):

Myriad Genetics, Inc.
Classification: Benign for Von Hippel-Lindau syndrome. Last evaluated: 2025-06-10. Review status: criteria provided, single submitter. Criteria: Myriad Autosomal Dominant, Autosomal Recessive and X-Linked Classification Criteria (2023). Collection method: clinical testing. Allele origin: unknown.
Comment: This variant is considered benign. This variant is a silent/synonymous amino acid change and it is not expected to impact splicing.

Labcorp Genetics (formerly Invitae), Labcorp
Classification: Likely benign for Von Hippel-Lindau syndrome; Chuvash polycythemia. Last evaluated: 2024-10-13. Review status: criteria provided, single submitter. Criteria: Invitae Variant Classification Sherloc (09022015). Collection method: clinical testing. Allele origin: germline.

Ambry Genetics
Classification: Likely benign for Hereditary cancer-predisposing syndrome. Last evaluated: 2022-03-31. Review status: criteria provided, single submitter. Criteria: Ambry Variant Classification Scheme 2023. Collection method: clinical testing. Allele origin: germline.

GeneDx
Classification: Likely benign. Last evaluated: 2015-09-21. Review status: criteria provided, single submitter. Criteria: GeneDx Variant Classification (06012015). Collection method: clinical testing. Allele origin: germline. Affected: yes.
Comment: This variant is considered likely benign or benign based on one or more of the following criteria: it is a conservative change, it occurs at a poorly conserved position in the protein, it is predicted to be benign by multiple in silico algorithms, and/or has population frequency not consistent with disease.